The following is an entry in ClinVar:

NM_001356.5(DDX3X):c.1615+1G>T

Gene: DDX3X (DEAD-box helicase 3 X-linked; plus strand). Cytogenetic location: Xp11.4.
Variant type: single nucleotide variant.
Coding change: c.1615+1G>T on transcript NM_001356.5 (MANE Select); the canonical splice donor site of the intron after coding-DNA position 1615, G replaced by T.
Molecular consequence: splice donor variant.
Genome position (GRCh38, 1-based): chrX:41,346,623, G>T. VCF-style: chrX-41346623-G-T. GRCh37 (hg19) VCF-style: chrX-41205876-G-T.
Other names: NC_000023.10:g.41205876G>T; c.1615+1G>T (NM_001193416.3); c.1567+1G>T (NM_001193417.3); c.1057+1G>T (NM_001363819.1).
Identifiers: ClinVar variation 4489272 (VCV004489272.2).

ClinVar aggregate classification (germline): Likely pathogenic (1 of 4 stars; one submission).

gnomAD v4.1: 1 of 1,165,290 alleles (0.000086%); highest among the groups gnomAD compares: Non-Finnish European, 0.00012%; no homozygotes.

Submissions (3):

Labcorp Genetics (formerly Invitae), Labcorp
Classification: Likely pathogenic. Last evaluated: 2025-07-06. Review status: criteria provided, single submitter. Criteria: Invitae Variant Classification Sherloc (09022015). Collection method: clinical testing. Allele origin: germline.
Comment: This sequence change affects a donor splice site in intron 14 of the DDX3X gene. It is expected to disrupt RNA splicing. Variants that disrupt the donor or acceptor splice site typically lead to a loss of protein function (PMID: 16199547), and loss-of-function variants in DDX3X are known to be pathogenic (PMID: 26235985). This variant is not present in population databases (gnomAD no frequency). This variant has not been reported in the literature in individuals affected with DDX3X-related conditions. Algorithms developed to predict the effect of sequence changes on RNA splicing suggest that this variant may disrupt the consensus splice site. In summary, the currently available evidence indicates that the variant is pathogenic, but additional data are needed to prove that conclusively. Therefore, this variant has been classified as Likely Pathogenic.

Dr. Peter K. Rogan Lab, Western University
No classification provided (evidence only). Condition: Thyroid cancer, nonmedullary, 1. Review status: no classification provided. Collection method: in vitro. Allele origin: not applicable. Functional consequence: retained intron. Not counted in ClinVar's aggregate classification.

Dr. Peter K. Rogan Lab, Western University
No classification provided (evidence only). Condition: Thyroid cancer, nonmedullary, 1. Review status: no classification provided. Collection method: in vitro. Allele origin: not applicable. Functional consequence: retained intron. Not counted in ClinVar's aggregate classification.

Literature cited by the submitters: PubMed 16199547 (cited by Labcorp Genetics (formerly Invitae), Labcorp); PubMed 26235985 (cited by Labcorp Genetics (formerly Invitae), Labcorp).